The following is an entry in ClinVar:

ClinVar aggregate classification (germline): Uncertain significance (1 of 4 stars; one submission).

Conditions:
Pontocerebellar hypoplasia type 1A (PCH1A). Also called: PONTOCEREBELLAR HYPOPLASIA WITH ANTERIOR HORN CELL DISEASE; PONTOCEREBELLAR HYPOPLASIA WITH INFANTILE SPINAL MUSCULAR ATROPHY. Identifiers: Orphanet 2254, Orphanet 88616, MedGen C1843504, MONDO:0011866, OMIM 607596.

Submission:

Labcorp Genetics (formerly Invitae), Labcorp
Classification: Uncertain significance for Pontocerebellar hypoplasia type 1A. Last evaluated: 2019-04-20. Review status: criteria provided, single submitter. Criteria: Invitae Variant Classification Sherloc (09022015). Collection method: clinical testing. Allele origin: germline.
Comment: In summary, the available evidence is currently insufficient to determine the role of this variant in disease. Therefore, it has been classified as a Variant of Uncertain Significance. Algorithms developed to predict the effect of missense changes on protein structure and function (SIFT, PolyPhen-2, Align-GVGD) all suggest that this variant is likely to be disruptive, but these predictions have not been confirmed by published functional studies and their clinical significance is uncertain. This variant has not been reported in the literature in individuals with VRK1-related conditions. This variant is not present in population databases (ExAC no frequency). This sequence change replaces arginine with tryptophan at codon 127 of the VRK1 protein (p.Arg127Trp). The arginine residue is highly conserved and there is a moderate physicochemical difference between arginine and tryptophan.

NM_003384.3(VRK1):c.379A>T (p.Arg127Trp)

Gene: VRK1 (VRK serine/threonine kinase 1; plus strand). Cytogenetic location: 14q32.2.
Variant type: single nucleotide variant.
Coding change: c.379A>T on transcript NM_003384.3 (MANE Select); coding-DNA position 379, A replaced by T.
Protein change: p.Arg127Trp; replaces arginine 127 with tryptophan.
Molecular consequence: missense variant.
Genome position (GRCh38, 1-based): chr14:96,852,835, A>T. VCF-style: chr14-96852835-A-T. GRCh37 (hg19) VCF-style: chr14-97319172-A-T.
Other names: short protein forms R127W.
Identifiers: ClinVar variation 853968 (VCV000853968.11), dbSNP rs1888003676, ClinGen allele CA390930211.
Genomic context (GRCh38, chr14:96,852,835, plus strand): 5'-AAAGTTGGTTTTCTTGCATTGTATTTTGTTCATTGGCTTTTCATATTTGTCTTCAGTTAC[A>T]GGTTTATGATAATGGATCGCTTTGGGAGTGACCTTCAGAAAATATATGAAGCAAATGCCA-3'
Protein context (NP_003375.1, residues 117-137): GLHDKNGKSY[Arg127Trp]FMIMDRFGSD